The following is an entry in ClinVar:

ClinVar aggregate classification (germline): Uncertain significance (0 of 4 stars; one submission).

Conditions:
TBX3-related disorder. Also called: TBX3-related condition.

Submission:

PreventionGenetics, part of Exact Sciences
Classification: Uncertain significance for TBX3-related condition. Last evaluated: 2024-04-18. Review status: no assertion criteria provided. Collection method: clinical testing. Allele origin: germline.
Comment: The TBX3 c.2084G>A variant is predicted to result in the amino acid substitution p.Arg695His. To our knowledge, this variant has not been reported in the literature. This variant is reported in 0.022% of alleles in individuals of South Asian descent in gnomAD. Although we suspect that this variant may be benign, at this time, the clinical significance of this variant is uncertain due to the absence of conclusive functional and genetic evidence.

NM_005996.4(TBX3):c.2024G>A (p.Arg675His)

Gene: TBX3 (T-box transcription factor 3; minus strand). Cytogenetic location: 12q24.21.
Variant type: single nucleotide variant.
Coding change: c.2024G>A on transcript NM_005996.4 (MANE Select); coding-DNA position 2024, G replaced by A.
Protein change: p.Arg675His; replaces arginine 675 with histidine.
Molecular consequence: missense variant.
Genome position (GRCh38, 1-based): chr12:114,671,989, C>T on the plus strand (G>A on the coding strand, the complement: TBX3 is on the minus strand). VCF-style: chr12-114671989-C-T. GRCh37 (hg19) VCF-style: chr12-115109794-C-T.
Other names: c.2084G>A, p.Arg695His (NM_016569.4); short protein forms R675H, R695H.
Identifiers: ClinVar variation 3344773 (VCV003344773.1).